The following is an entry in ClinVar:

ClinVar aggregate classification (germline): Uncertain significance (1 of 4 stars; one submission).

Conditions:
Duchenne muscular dystrophy (DMD). Also called: Duchenne Muscular Dystrophy (DMD); MUSCULAR DYSTROPHY, PSEUDOHYPERTROPHIC PROGRESSIVE, DUCHENNE TYPE. Identifiers: Orphanet 98896, MedGen C0013264, MONDO:0010679, OMIM 310200.

Allele frequency attached by ClinVar (database versions not stated): gnomAD 0.00001.
gnomAD v4.1: 1 of 1,170,279 alleles (0.000085%); highest among the groups gnomAD compares: African/African-American, 0.0018%; no homozygotes.

Submission:

Labcorp Genetics (formerly Invitae), Labcorp
Classification: Uncertain significance for Duchenne muscular dystrophy. Last evaluated: 2024-09-23. Review status: criteria provided, single submitter. Criteria: Invitae Variant Classification Sherloc (09022015). Collection method: clinical testing. Allele origin: germline.
Comment: This sequence change replaces asparagine, which is neutral and polar, with lysine, which is basic and polar, at codon 2040 of the DMD protein (p.Asn2040Lys). This variant is not present in population databases (gnomAD no frequency). This variant has not been reported in the literature in individuals affected with DMD-related conditions. ClinVar contains an entry for this variant (Variation ID: 1449131). An algorithm developed to predict the effect of missense changes on protein structure and function (PolyPhen-2) suggests that this variant is likely to be tolerated. In summary, the available evidence is currently insufficient to determine the role of this variant in disease. Therefore, it has been classified as a Variant of Uncertain Significance.

NM_004006.3(DMD):c.6120T>A (p.Asn2040Lys)

Gene: DMD (dystrophin; minus strand). Cytogenetic location: Xp21.1.
Variant type: single nucleotide variant.
Coding change: c.6120T>A on transcript NM_004006.3 (MANE Select); coding-DNA position 6120, T replaced by A.
Protein change: p.Asn2040Lys; replaces asparagine 2040 with lysine.
Molecular consequence: missense variant.
Genome position (GRCh38, 1-based): chrX:32,287,699, A>T on the plus strand (T>A on the coding strand, the complement: DMD is on the minus strand). VCF-style: chrX-32287699-A-T. GRCh37 (hg19) VCF-style: chrX-32305816-A-T.
Other names: c.6096T>A, p.Asn2032Lys (NM_000109.4); c.6108T>A, p.Asn2036Lys (NM_004009.3); c.5751T>A, p.Asn1917Lys (NM_004010.3); c.2097T>A, p.Asn699Lys (NM_004011.4); c.2088T>A, p.Asn696Lys (NM_004012.4); short protein forms N2032K, N2040K, N696K, N1917K, N2036K, N699K.
Identifiers: ClinVar variation 1449131 (VCV001449131.8), dbSNP rs1409711434, ClinGen allele CA412666664.